The following is an entry in ClinVar:

ClinVar aggregate classification (germline): Uncertain significance (1 of 4 stars; one submission).

Conditions:
Familial thoracic aortic aneurysm and aortic dissection (TAAD). Also called: Thoracic aortic aneurysms and dissections. Identifiers: Orphanet 91387, MedGen C4707243, MONDO:0019625.

Allele frequency attached by ClinVar (database versions not stated): gnomAD exomes below 0.00001; TOPMed 0.00001.
gnomAD v4.1: 2 of 1,613,954 alleles (0.00012%); highest among the groups gnomAD compares: Admixed American, 0.0017%; no homozygotes.

Submission:

Color Diagnostics, LLC DBA Color Health
Classification: Uncertain significance for Familial thoracic aortic aneurysm and aortic dissection. Last evaluated: 2023-04-17. Review status: criteria provided, single submitter. Criteria: ACMG Guidelines, 2015. Collection method: clinical testing. Allele origin: germline.
Comment: This variant causes an A to C nucleotide substitution at the -13 position of intron 28 of the FBN1 gene. To our knowledge, functional studies have not been reported for this variant. This variant has not been reported in individuals affected with FBN1-related disorders in the literature. This variant has not been identified in the general population by the Genome Aggregation Database (gnomAD). The available evidence is insufficient to determine the role of this variant in disease conclusively. Therefore, this variant is classified as a Variant of Uncertain Significance.

NM_000138.5(FBN1):c.3464-13A>C

Gene: FBN1 (fibrillin 1; minus strand). Cytogenetic location: 15q21.1.
Variant type: single nucleotide variant.
Coding change: c.3464-13A>C on transcript NM_000138.5 (MANE Select); 13 bases into the intron before coding-DNA position 3464, A replaced by C.
Molecular consequence: intron variant.
Genome position (GRCh38, 1-based): chr15:48,487,213, T>G on the plus strand (A>C on the coding strand, the complement: FBN1 is on the minus strand). VCF-style: chr15-48487213-T-G. GRCh37 (hg19) VCF-style: chr15-48779410-T-G.
Other names: c.3464-13A>C (NM_001406716.1).
Identifiers: ClinVar variation 2773358 (VCV002773358.2), dbSNP rs2043515633, ClinGen allele CA2175514259.